The following is an entry in ClinVar:

ClinVar aggregate classification (germline): Uncertain significance. Review status: criteria provided, multiple submitters, no conflicts (2 of 4 stars). 2 submissions from 2 submitters: Uncertain significance (2). Last evaluated 2025-04-04.

Conditions:
Primary ciliary dyskinesia. Also called: Ciliary dyskinesia. Identifiers: Orphanet 244, MedGen C0008780, MONDO:0016575, HP:0012265.

Allele frequency attached by ClinVar (database versions not stated): gnomAD 0.00001; gnomAD exomes 0.00001; ExAC 0.00003; TOPMed 0.00003.
gnomAD v4.1: 9 of 1,613,380 alleles (0.00056%); highest among the groups gnomAD compares: Admixed American, 0.015%; no homozygotes.

Submissions (2):

Ambry Genetics
Classification: Uncertain significance. Last evaluated: 2025-04-04. Review status: criteria provided, single submitter. Criteria: Ambry Variant Classification Scheme 2023. Collection method: clinical testing. Allele origin: germline.

Labcorp Genetics (formerly Invitae), Labcorp
Classification: Uncertain significance for Primary ciliary dyskinesia. Last evaluated: 2022-06-22. Review status: criteria provided, single submitter. Criteria: Invitae Variant Classification Sherloc (09022015). Collection method: clinical testing. Allele origin: germline.
Comment: This sequence change replaces leucine, which is neutral and non-polar, with proline, which is neutral and non-polar, at codon 1873 of the DNAH8 protein (p.Leu1873Pro). This variant is present in population databases (rs759541064, gnomAD 0.02%). This variant has not been reported in the literature in individuals affected with DNAH8-related conditions. Algorithms developed to predict the effect of missense changes on protein structure and function are either unavailable or do not agree on the potential impact of this missense change (SIFT: "Deleterious"; PolyPhen-2: "Not Available"; Align-GVGD: "Class C0"). In summary, the available evidence is currently insufficient to determine the role of this variant in disease. Therefore, it has been classified as a Variant of Uncertain Significance.

NM_001206927.2(DNAH8):c.5618T>C (p.Leu1873Pro)

Gene: DNAH8 (dynein axonemal heavy chain 8; plus strand). Cytogenetic location: 6p21.2.
Variant type: single nucleotide variant.
Coding change: c.5618T>C on transcript NM_001206927.2 (MANE Select); coding-DNA position 5618, T replaced by C.
Protein change: p.Leu1873Pro; replaces leucine 1873 with proline.
Molecular consequence: missense variant.
Genome position (GRCh38, 1-based): chr6:38,853,232, T>C. VCF-style: chr6-38853232-T-C. GRCh37 (hg19) VCF-style: chr6-38821008-T-C.
Other names: c.4967T>C, p.Leu1656Pro (NM_001371.4); c.5618T>C (NM_001206927.1); short protein forms L1656P, L1873P.
Identifiers: ClinVar variation 2079028 (VCV002079028.2), dbSNP rs759541064, ClinGen allele CA3789439.
Genomic context (GRCh38, chr6:38,853,232, plus strand): 5'-TAATTTTGTTTTAGTTGGATAATTCTGTTATGGCCAAAGGTCCTGTGGAGATTTGGCTAC[T>C]GGATTTGTTAAAAATGCAGATGTCATCATTACATAATATAATTAGATCCGCTTTCTATCA-3'
Protein context (NP_001193856.1, residues 1863-1883): MAKGPVEIWL[Leu1873Pro]DLLKMQMSSL